The following is an entry in ClinVar:

NM_000138.5(FBN1):c.4963C>T (p.Pro1655Ser)

Gene: FBN1 (fibrillin 1; minus strand). Cytogenetic location: 15q21.1.
Variant type: single nucleotide variant.
Coding change: c.4963C>T on transcript NM_000138.5 (MANE Select); coding-DNA position 4963, C replaced by T.
Protein change: p.Pro1655Ser; replaces proline 1655 with serine.
Molecular consequence: missense variant.
Genome position (GRCh38, 1-based): chr15:48,464,001, G>A on the plus strand (C>T on the coding strand, the complement: FBN1 is on the minus strand). VCF-style: chr15-48464001-G-A. GRCh37 (hg19) VCF-style: chr15-48756198-G-A.
Other names: c.4963C>T, p.Pro1655Ser (NM_001406716.1); short protein forms P1655S.
Identifiers: ClinVar variation 3573906 (VCV003573906.1).

ClinVar aggregate classification (germline): Uncertain significance (1 of 4 stars; one submission).

Submission:

GeneDx
Classification: Uncertain significance. Last evaluated: 2024-07-18. Review status: criteria provided, single submitter. Criteria: GeneDx Variant Classification Process June 2021. Collection method: clinical testing. Allele origin: germline. Affected: yes.
Comment: Not observed at significant frequency in large population cohorts (gnomAD); In silico analysis supports that this missense variant has a deleterious effect on protein structure/function; Has not been previously published as pathogenic or benign to our knowledge